The following is an entry in ClinVar:

ClinVar aggregate classification (germline): Uncertain significance (1 of 4 stars; one submission).

Conditions:
Hereditary pancreatitis (PCTT). Also called: Hereditary chronic pancreatitis; PRSS1-Related Hereditary Pancreatitis. Identifiers: Orphanet 676, MedGen C0238339, MONDO:0008185, OMIM 167800.

gnomAD v4.1: 1 of 1,614,186 alleles (0.000062%); highest among the groups gnomAD compares: East Asian, 0.0022%; no homozygotes.

Submission:

Ambry Genetics
Classification: Uncertain significance for Hereditary pancreatitis. Last evaluated: 2025-05-24. Review status: criteria provided, single submitter. Criteria: Ambry Variant Classification Scheme 2023. Collection method: clinical testing. Allele origin: germline.
Comment: The p.S85I variant (also known as c.254G>T), located in coding exon 3 of the CPA1 gene, results from a G to T substitution at nucleotide position 254. The serine at codon 85 is replaced by isoleucine, an amino acid with dissimilar properties. This amino acid position is conserved. In addition, this alteration is predicted to be tolerated by in silico analysis. Based on the available evidence, the clinical significance of this variant remains unclear.

NM_001868.4(CPA1):c.254G>T (p.Ser85Ile)

Gene: CPA1 (carboxypeptidase A1; plus strand). Cytogenetic location: 7q32.2.
Variant type: single nucleotide variant.
Coding change: c.254G>T on transcript NM_001868.4 (MANE Select); coding-DNA position 254, G replaced by T.
Protein change: p.Ser85Ile; replaces serine 85 with isoleucine.
Molecular consequence: missense variant.
Genome position (GRCh38, 1-based): chr7:130,381,736, G>T. VCF-style: chr7-130381736-G-T. GRCh37 (hg19) VCF-style: chr7-130021577-G-T.
Other names: short protein forms S85I.
Identifiers: ClinVar variation 4006063 (VCV004006063.1).